The following is an entry in ClinVar:

ClinVar aggregate classification (germline): Uncertain significance (1 of 4 stars; one submission).

Allele frequency attached by ClinVar (database versions not stated): gnomAD exomes below 0.00001 and 0.00001; ExAC 0.00001; TOPMed 0.00001; gnomAD 0.00002; ESP Exome Variant Server 0.00008.
gnomAD v4.1: 7 of 1,613,384 alleles (0.00043%); highest among the groups gnomAD compares: African/African-American, 0.0053%; no homozygotes.

Submission:

Labcorp Genetics (formerly Invitae), Labcorp
Classification: Uncertain significance. Last evaluated: 2022-11-01. Review status: criteria provided, single submitter. Criteria: Invitae Variant Classification Sherloc (09022015). Collection method: clinical testing. Allele origin: germline.
Comment: This sequence change replaces glutamine, which is neutral and polar, with histidine, which is basic and polar, at codon 47 of the CNGA3 protein (p.Gln47His). This variant has not been reported in the literature in individuals affected with CNGA3-related conditions. This variant is present in population databases (rs146318973, gnomAD 0.008%). In summary, the available evidence is currently insufficient to determine the role of this variant in disease. Therefore, it has been classified as a Variant of Uncertain Significance. Advanced modeling of protein sequence and biophysical properties (such as structural, functional, and spatial information, amino acid conservation, physicochemical variation, residue mobility, and thermodynamic stability) performed at Invitae indicates that this missense variant is not expected to disrupt CNGA3 protein function. ClinVar contains an entry for this variant (Variation ID: 1053649).

NM_001298.3(CNGA3):c.141G>T (p.Gln47His)

Gene: CNGA3 (cyclic nucleotide gated channel subunit alpha 3; plus strand). Cytogenetic location: 2q11.2.
Variant type: single nucleotide variant.
Coding change: c.141G>T on transcript NM_001298.3 (MANE Select); coding-DNA position 141, G replaced by T.
Protein change: p.Gln47His; replaces glutamine 47 with histidine.
Molecular consequence: missense variant.
Genome position (GRCh38, 1-based): chr2:98,377,726, G>T. VCF-style: chr2-98377726-G-T. GRCh37 (hg19) VCF-style: chr2-98994189-G-T.
Other names: c.141G>T, p.Gln47His (NM_001079878.2); short protein forms Q47H.
Identifiers: ClinVar variation 1053649 (VCV001053649.8), dbSNP rs146318973, ClinGen allele CA1793588.